The following is an entry in ClinVar:

NM_198282.4(STING1):c.1124G>T (p.Arg375Leu)

Gene: STING1 (stimulator of interferon response cGAMP interactor 1; minus strand). Cytogenetic location: 5q31.2.
Variant type: single nucleotide variant.
Coding change: c.1124G>T on transcript NM_198282.4 (MANE Select); coding-DNA position 1124, G replaced by T.
Protein change: p.Arg375Leu; replaces arginine 375 with leucine.
Molecular consequence: missense variant. On other transcripts: 3 prime UTR variant (1).
Genome position (GRCh38, 1-based): chr5:139,476,277, C>A on the plus strand (G>T on the coding strand, the complement: STING1 is on the minus strand). VCF-style: chr5-139476277-C-A. GRCh37 (hg19) VCF-style: chr5-138855862-C-A.
Other names: c.*85G>T (NM_001301738.2); c.767G>T, p.Arg256Leu (NM_001367258.1); short protein forms R375L, R256L.
Identifiers: ClinVar variation 719130 (VCV000719130.13), dbSNP rs117897081, ClinGen allele CA3435227.

ClinVar aggregate classification (germline): Benign/Likely benign. Review status: criteria provided, multiple submitters, no conflicts (2 of 4 stars). 4 submissions from 4 submitters: Benign (2); Likely benign (2). Last evaluated 2026-01-26.

Conditions:
STING1-related disorder. Also called: STING1-related condition.
STING-associated vasculopathy with onset in infancy. Also called: Sting-associated vasculopathy, infantile-onset. Identifiers: Orphanet 425120, MedGen C4014722, MONDO:0014405, OMIM 615934.

Allele frequency attached by ClinVar (database versions not stated): TOPMed 0.00043; 1000 Genomes Project 0.00300; 1000 Genomes Project 30x 0.00328.
gnomAD v4.1: 572 of 1,588,738 alleles (0.036%); highest among the groups gnomAD compares: East Asian, 1.1%; 5 homozygotes.

Submissions (4):

Labcorp Genetics (formerly Invitae), Labcorp
Classification: Benign for STING-associated vasculopathy with onset in infancy. Last evaluated: 2026-01-26. Review status: criteria provided, single submitter. Criteria: Invitae Variant Classification Sherloc (09022015). Collection method: clinical testing. Allele origin: germline.

PreventionGenetics, part of Exact Sciences
Classification: Benign for STING1-related condition. Last evaluated: 2025-11-21. Review status: criteria provided, single submitter. Criteria: ACMG Guidelines, 2015. Collection method: clinical testing. Allele origin: germline.
Comment: This variant is classified as benign based on ACMG/AMP sequence variant interpretation guidelines (Richards et al. 2015 PMID: 25741868, with internal and published modifications).

Blueprint Genetics
Classification: Likely benign. Last evaluated: 2024-10-10. Review status: criteria provided, single submitter. Criteria: ACMG Guidelines, 2015. Collection method: clinical testing. Allele origin: germline.

Fulgent Genetics
Classification: Likely benign for STING-associated vasculopathy with onset in infancy. Last evaluated: 2021-09-13. Review status: criteria provided, single submitter. Criteria: ACMG Guidelines, 2015. Collection method: clinical testing. Allele origin: unknown.